The following is an entry in ClinVar:

NM_003001.5(SDHC):c.17T>C (p.Leu6Pro)

Gene: SDHC (succinate dehydrogenase complex subunit C; plus strand). Cytogenetic location: 1q23.3.
Variant type: single nucleotide variant.
Coding change: c.17T>C on transcript NM_003001.5 (MANE Select); coding-DNA position 17, T replaced by C.
Protein change: p.Leu6Pro; replaces leucine 6 with proline.
Molecular consequence: missense variant.
Genome position (GRCh38, 1-based): chr1:161,314,422, T>C. VCF-style: chr1-161314422-T-C. GRCh37 (hg19) VCF-style: chr1-161284212-T-C.
Other names: c.17T>C, p.Leu6Pro (NM_001035511.3, NM_001035512.3, NM_001035513.3 and 6 more transcripts); c.-544T>C (NM_001407119.1); c.-213T>C (NM_001407120.1); short protein forms L6P.
Identifiers: ClinVar variation 855583 (VCV000855583.14), dbSNP rs1211574644, ClinGen allele CA343355011.

ClinVar aggregate classification (germline): Uncertain significance. Review status: criteria provided, multiple submitters, no conflicts (2 of 4 stars). 3 submissions from 3 submitters: Uncertain significance (3). Last evaluated 2026-07-07.

Conditions:
Hereditary cancer-predisposing syndrome. Also called: Tumor predisposition; Hereditary neoplastic syndrome; Neoplastic Syndromes, Hereditary; Hereditary Cancer Syndrome. Identifiers: Orphanet 140162, MedGen C0027672, MeSH D009386, MONDO:0015356.
Hereditary pheochromocytoma and paraganglioma. Also called: Hereditary paragangliomas and pheochromocytomas; Hereditary Paraganglioma-Pheochromocytoma Syndromes; Hereditary pheochromocytoma-paraganglioma. Identifiers: Orphanet 29072, MedGen C4274332, MONDO:0017366.
Gastrointestinal stromal tumor. Also called: Gastrointestinal stroma tumor; Gastrointestinal stromal tumor, somatic. Identifiers: Orphanet 44890, MedGen C0238198, MeSH D046152, MONDO:0011719, OMIM 606764, HP:0100723.
Pheochromocytoma/paraganglioma syndrome 3. Also called: GLOMUS TUMORS, FAMILIAL, 3; Paragangliomas 3; SDHC-Related Hereditary Paraganglioma-Pheochromocytoma Syndrome (Paragangliomas 3); SDHC-Related Hereditary Paraganglioma-Pheochromocytoma Syndrome. Identifiers: Orphanet 29072, MedGen C1854336, MONDO:0011544, OMIM 605373.

Allele frequency attached by ClinVar (database versions not stated): gnomAD exomes below 0.00001.
gnomAD v4.1: 3 of 1,611,540 alleles (0.00019%); highest among the groups gnomAD compares: African/African-American, 0.0014%; no homozygotes.

Submissions (3):

Ambry Genetics
Classification: Uncertain significance for Hereditary cancer-predisposing syndrome. Last evaluated: 2026-07-07. Review status: criteria provided, single submitter. Criteria: Ambry Variant Classification Scheme 2023. Collection method: clinical testing. Allele origin: germline.
Comment: The p.L6P variant (also known as c.17T>C), located in coding exon 1 of the SDHC gene, results from a T to C substitution at nucleotide position 17. The leucine at codon 6 is replaced by proline, an amino acid with similar properties. This amino acid position is conserved. In addition, this alteration is predicted to be deleterious by in silico analysis. Based on the available evidence, the clinical significance of this variant remains unclear.

Labcorp Genetics (formerly Invitae), Labcorp
Classification: Uncertain significance for Pheochromocytoma/paraganglioma syndrome 3; Gastrointestinal stromal tumor. Last evaluated: 2024-05-02. Review status: criteria provided, single submitter. Criteria: Invitae Variant Classification Sherloc (09022015). Collection method: clinical testing. Allele origin: germline.
Comment: This sequence change replaces leucine, which is neutral and non-polar, with proline, which is neutral and non-polar, at codon 6 of the SDHC protein (p.Leu6Pro). This variant is present in population databases (no rsID available, gnomAD 0.0009%). This variant has not been reported in the literature in individuals affected with SDHC-related conditions. ClinVar contains an entry for this variant (Variation ID: 855583). An algorithm developed to predict the effect of missense changes on protein structure and function (PolyPhen-2) suggests that this variant is likely to be disruptive. In summary, the available evidence is currently insufficient to determine the role of this variant in disease. Therefore, it has been classified as a Variant of Uncertain Significance.

All of Us Research Program, National Institutes of Health
Classification: Uncertain significance for Hereditary pheochromocytoma and paraganglioma. Last evaluated: 2024-04-16. Review status: criteria provided, single submitter. Criteria: ACMG Guidelines, 2015. Collection method: clinical testing. Allele origin: germline. Inheritance: Autosomal dominant inheritance. Observed: 1 variant allele, 1 heterozygote.
Comment: This missense variant replaces leucine with proline at codon 6 of the SDHC protein. Computational prediction suggests that this variant may have deleterious impact on protein structure and function (internally defined REVEL score threshold >= 0.7, PMID: 27666373). To our knowledge, functional studies have not been reported for this variant. This variant has not been reported in individuals affected with SDHC-related disorders in the literature. This variant has been identified in 1/250846 chromosomes in the general population by the Genome Aggregation Database (gnomAD). The available evidence is insufficient to determine the role of this variant in disease conclusively. Therefore, this variant is classified as a Variant of Uncertain Significance.

This study involves interpretation of variants in research participants for the purpose of population health screening. Participant phenotype was not available at the time of variant classification. Additional details can be found in publication PMID: 35346344, PMCID: PMC8962531